The following is an entry in ClinVar:

ClinVar aggregate classification (germline): Uncertain significance (1 of 4 stars; one submission).

Submission:

GeneDx
Classification: Uncertain significance. Last evaluated: 2024-03-29. Review status: criteria provided, single submitter. Criteria: GeneDx Variant Classification Process June 2021. Collection method: clinical testing. Allele origin: germline. Affected: yes.
Comment: Not observed at significant frequency in large population cohorts (gnomAD); Frameshift variant predicted to result in abnormal protein length as the last 93 amino acids are replaced with 197 different amino acids in a gene for which loss-of-function is not an established mechanism of disease; Has not been previously published as pathogenic or benign to our knowledge

NM_001112.4(ADARB1):c.1827del (p.Ile609fs)

Gene: ADARB1 (adenosine deaminase RNA specific B1; plus strand). Cytogenetic location: 21q22.3.
Variant type: Deletion.
Coding change: c.1827del on transcript NM_001112.4 (MANE Select); coding-DNA position 1827, one base deleted (T; older notation c.1827delT).
Protein change: p.Ile609fs; shifts the reading frame from isoleucine 609.
Molecular consequence: frameshift variant. On other transcripts: non-coding transcript variant (5).
Genome position (GRCh38, 1-based): chr21:45,220,915, T deleted; the last of 2 consecutive T bases (chr21:45,220,914-45,220,915); deleting either gives the same sequence. VCF-style (leftmost placement, unchanged base first): chr21-45220913-AT-A. GRCh37 (hg19) VCF-style: chr21-46640828-AT-A.
Other names: c.1827del, p.Ile609fs (NM_001160230.2, NM_001346688.2); c.2094del, p.Ile698fs (NM_001346687.2); c.1974del, p.Ile658fs (NM_001410722.1); c.1947del, p.Ile649fs (NM_015833.4, NM_015834.4); short protein forms I609fs, I649fs, I658fs, I698fs.
Identifiers: ClinVar variation 3371900 (VCV003371900.1).